The following is an entry in ClinVar:

ClinVar aggregate classification (germline): Pathogenic (1 of 4 stars; one submission).

Conditions:
Alstrom syndrome (ALMS). Identifiers: Orphanet 64, MedGen C0268425, MONDO:0008763, OMIM 203800.

Submission:

Labcorp Genetics (formerly Invitae), Labcorp
Classification: Pathogenic for Alstrom syndrome. Last evaluated: 2018-11-20. Review status: criteria provided, single submitter. Criteria: Invitae Variant Classification Sherloc (09022015). Collection method: clinical testing. Allele origin: germline.
Comment: This sequence change creates a premature translational stop signal (p.Val3560Glyfs*38) in the ALMS1 gene. It is expected to result in an absent or disrupted protein product. This variant is not present in population databases (ExAC no frequency). This variant has not been reported in the literature in individuals with ALMS1-related disease. Loss-of-function variants in ALMS1 are known to be pathogenic (PMID: 17594715). For these reasons, this variant has been classified as Pathogenic.

NM_001378454.1(ALMS1):c.10676del (p.Val3559fs)

Gene: ALMS1 (ALMS1 centrosome and basal body associated protein; plus strand). Cytogenetic location: 2p13.1.
Variant type: Deletion.
Coding change: c.10676del on transcript NM_001378454.1 (MANE Select); coding-DNA position 10676, one base deleted (T; older notation c.10676delT).
Protein change: p.Val3559fs; shifts the reading frame from valine 3559.
Molecular consequence: frameshift variant.
Genome position (GRCh38, 1-based): chr2:73,572,553, T deleted. VCF-style (leftmost placement, unchanged base first): chr2-73572552-GT-G. GRCh37 (hg19) VCF-style: chr2-73799679-GT-G.
Other names: c.10679delT (NM_015120.4); c.10679del, p.Val3560fs (NM_015120.4); short protein forms V3560fs, V3559fs.
Identifiers: ClinVar variation 663965 (VCV000663965.1), dbSNP rs1573030204, ClinGen allele CA915944043.